The following is an entry in ClinVar:

ClinVar aggregate classification (germline): Uncertain significance. Review status: criteria provided, multiple submitters, no conflicts (2 of 4 stars). 2 submissions from 2 submitters: Uncertain significance (2). Last evaluated 2025-12-01.

Conditions:
Hypertrophic cardiomyopathy. Also called: HYPERTROPHIC MYOCARDIOPATHY. Identifiers: Orphanet 217569, MedGen C0007194, MeSH D002312, MONDO:0005045, HP:0001639.

Submissions (2):

Labcorp Genetics (formerly Invitae), Labcorp
Classification: Uncertain significance for Hypertrophic cardiomyopathy. Last evaluated: 2025-12-01. Review status: criteria provided, single submitter. Criteria: Invitae Variant Classification Sherloc (09022015). Collection method: clinical testing. Allele origin: germline.
Comment: This sequence change replaces arginine, which is basic and polar, with serine, which is neutral and polar, at codon 739 of the MYH7 protein (p.Arg739Ser). This variant is not present in population databases (gnomAD no frequency). This missense change has been observed in individual(s) with hypertrophic cardiomyopathy (PMID: 25611685). ClinVar contains an entry for this variant (Variation ID: 950285). Invitae Evidence Modeling of protein sequence and biophysical properties (such as structural, functional, and spatial information, amino acid conservation, physicochemical variation, residue mobility, and thermodynamic stability) indicates that this missense variant is expected to disrupt MYH7 protein function with a positive predictive value of 80%. In summary, the available evidence is currently insufficient to determine the role of this variant in disease. Therefore, it has been classified as a Variant of Uncertain Significance.

Blueprint Genetics
Classification: Uncertain significance. Last evaluated: 2021-01-28. Review status: criteria provided, single submitter. Criteria: ACMG Guidelines, 2015. Collection method: clinical testing. Allele origin: germline.

Literature cited by the submitters: PubMed 25611685 (cited by Labcorp Genetics (formerly Invitae), Labcorp).

NM_000257.4(MYH7):c.2217G>C (p.Arg739Ser)

Gene: MYH7 (myosin heavy chain 7; minus strand). Cytogenetic location: 14q11.2.
Variant type: single nucleotide variant.
Coding change: c.2217G>C on transcript NM_000257.4 (MANE Select); coding-DNA position 2217, G replaced by C.
Protein change: p.Arg739Ser; replaces arginine 739 with serine.
Molecular consequence: missense variant.
Genome position (GRCh38, 1-based): chr14:23,425,764, C>G on the plus strand (G>C on the coding strand, the complement: MYH7 is on the minus strand). VCF-style: chr14-23425764-C-G. GRCh37 (hg19) VCF-style: chr14-23894973-C-G.
Other names: short protein forms R739S.
Identifiers: ClinVar variation 950285 (VCV000950285.10), dbSNP rs727504429, ClinGen allele CA389048890.
Genomic context (GRCh38, chr14:23,425,764, plus strand): 5'-GCCAAACTTGTACTGGTTGTGATCAATGTCCAGGGAGCTGAGCAGCTTCTCTGCCCCCTT[C>G]CTGCTATCAATGAACTGTCCCTCAGGGATGGCCGCTGGGTTCAGGATGCGATACCTGAGG-3'
Protein context (NP_000248.2, residues 729-749): AIPEGQFIDS[Arg739Ser]KGAEKLLSSL